The following is an entry in ClinVar:

ClinVar aggregate classification (germline): Uncertain significance. Review status: criteria provided, multiple submitters, no conflicts (2 of 4 stars). 2 submissions from 2 submitters: Uncertain significance (2). Last evaluated 2024-09-08.

Conditions:
Familial isolated arrhythmogenic right ventricular dysplasia. Identifiers: Orphanet 217656, MedGen C4274968, MONDO:0016342.
Arrhythmogenic right ventricular dysplasia 11. Also called: ARRHYTHMOGENIC RIGHT VENTRICULAR DYSPLASIA, FAMILIAL, 11; Arrhythmogenic Right Ventricular Dysplasia/Cardiomyopathy11; Arrhythmogenic right ventricular dysplasia 11 with mild palmoplantar keratoderma and woolly hair. Identifiers: MedGen C1864850, MONDO:0012506, OMIM 610476.

gnomAD v4.1: 1 of 1,613,996 alleles (0.000062%); highest among the groups gnomAD compares: Admixed American, 0.0017%; no homozygotes.

Submissions (2):

Labcorp Genetics (formerly Invitae), Labcorp
Classification: Uncertain significance for Arrhythmogenic right ventricular dysplasia 11. Last evaluated: 2024-09-08. Review status: criteria provided, single submitter. Criteria: Invitae Variant Classification Sherloc (09022015). Collection method: clinical testing. Allele origin: germline.
Comment: This sequence change replaces arginine, which is basic and polar, with lysine, which is basic and polar, at codon 501 of the DSC2 protein (p.Arg501Lys). This variant is present in population databases (no rsID available, gnomAD 0.003%). This variant has not been reported in the literature in individuals affected with DSC2-related conditions. Invitae Evidence Modeling of protein sequence and biophysical properties (such as structural, functional, and spatial information, amino acid conservation, physicochemical variation, residue mobility, and thermodynamic stability) indicates that this missense variant is not expected to disrupt DSC2 protein function with a negative predictive value of 80%. In summary, the available evidence is currently insufficient to determine the role of this variant in disease. Therefore, it has been classified as a Variant of Uncertain Significance.

All of Us Research Program, National Institutes of Health
Classification: Uncertain significance for Familial isolated arrhythmogenic right ventricular dysplasia. Last evaluated: 2023-08-23. Review status: criteria provided, single submitter. Criteria: ACMG Guidelines, 2015. Collection method: clinical testing. Allele origin: germline. Inheritance: Autosomal dominant inheritance. Observed: 1 variant allele, 1 heterozygote.
Comment: This missense variant replaces arginine with lysine at codon 501 of the DSC2 protein. Computational prediction suggests that this variant may not impact protein structure and function (internally defined REVEL score threshold <= 0.5, PMID: 27666373). To our knowledge, functional studies have not been reported for this variant. This variant has not been reported in individuals affected with DSC2-related disorders in the literature. This variant has been identified in 1/251130 chromosomes in the general population by the Genome Aggregation Database (gnomAD). The available evidence is insufficient to determine the role of this variant in disease conclusively. Therefore, this variant is classified as a Variant of Uncertain Significance.

This study involves interpretation of variants in research participants for the purpose of population health screening. Participant phenotype was not available at the time of variant classification. Additional details can be found in publication PMID: 35346344, PMCID: PMC8962531

NM_024422.6(DSC2):c.1502G>A (p.Arg501Lys)

Gene: DSC2 (desmocollin 2; minus strand). Cytogenetic location: 18q12.1.
Variant type: single nucleotide variant.
Coding change: c.1502G>A on transcript NM_024422.6 (MANE Select); coding-DNA position 1502, G replaced by A.
Protein change: p.Arg501Lys; replaces arginine 501 with lysine.
Molecular consequence: missense variant.
Genome position (GRCh38, 1-based): chr18:31,080,114, C>T on the plus strand (G>A on the coding strand, the complement: DSC2 is on the minus strand). VCF-style: chr18-31080114-C-T. GRCh37 (hg19) VCF-style: chr18-28660080-C-T.
Other names: c.1073G>A, p.Arg358Lys (NM_001406506.1, NM_001406507.1); c.1502G>A, p.Arg501Lys (NM_004949.5); short protein forms R358K, R501K.
Identifiers: ClinVar variation 3073118 (VCV003073118.3), dbSNP rs1315688724, ClinGen allele CA402108359.
Genomic context (GRCh38, chr18:31,080,114, plus strand): 5'-AATAAGCTATATATTTTAAAACTAAAATAGAATGGTAAGTACCTTATGCCACTGCTACTT[C>T]TTGTTTCTGGGTCATATGCTTTATATCCATTGCTTGTTGTTCCCACTTCTGCATTTTCTT-3'
Protein context (NP_077740.1, residues 491-511): NGYKAYDPET[Arg501Lys]SSSGIRYKKL